The following is an entry in ClinVar:

ClinVar aggregate classification (germline): Uncertain significance. Review status: criteria provided, multiple submitters, no conflicts (2 of 4 stars). 2 submissions from 2 submitters: Uncertain significance (2). Last evaluated 2026-07-07.

Conditions:
Inborn genetic diseases. Identifiers: MedGen C0950123, MeSH D030342.
Deafness-lymphedema-leukemia syndrome. Also called: Lymphedema, primary, with myelodysplasia; Emberger syndrome. Identifiers: Orphanet 3226, MedGen C3279664, MONDO:0013540, OMIM 614038.
Monocytopenia with susceptibility to infections. Also called: MONOCYTOPENIA AND MYCOBACTERIAL INFECTION SYNDROME; MONOCYTOPENIA WITH SUSCEPTIBILITY TO MYCOBACTERIAL, FUNGAL, AND PAPILLOMAVIRUS INFECTIONS AND MYELODYSPLASIA; COMBINED IMMUNODEFICIENCY WITH SUSCEPTIBILITY TO MYCOBACTERIAL, VIRAL, AND FUNGAL INFECTIONS; Dendritic cell, monocyte, B lymphocyte, and natural killer lymphocyte deficiency; IMMUNODEFICIENCY 21; GATA2 DEFICIENCY. Identifiers: Orphanet 228423, MedGen C3280030, MONDO:0013607, OMIM 614172.

gnomAD v4.1: 1 of 1,614,184 alleles (0.000062%); highest among the groups gnomAD compares: East Asian, 0.0022%; no homozygotes.

Submissions (2):

Ambry Genetics
Classification: Uncertain significance for Inborn genetic diseases. Last evaluated: 2026-07-07. Review status: criteria provided, single submitter. Criteria: Ambry Variant Classification Scheme 2023. Collection method: clinical testing. Allele origin: germline.
Comment: The p.P193A variant (also known as c.577C>G), located in coding exon 2 of the GATA2 gene, results from a C to G substitution at nucleotide position 577. The proline at codon 193 is replaced by alanine, an amino acid with highly similar properties. This amino acid position is conserved. In addition, the in silico prediction for this alteration is inconclusive. Based on the available evidence, the clinical significance of this variant remains unclear.

Labcorp Genetics (formerly Invitae), Labcorp
Classification: Uncertain significance for Monocytopenia with susceptibility to infections; Deafness-lymphedema-leukemia syndrome. Last evaluated: 2022-07-14. Review status: criteria provided, single submitter. Criteria: Invitae Variant Classification Sherloc (09022015). Collection method: clinical testing. Allele origin: germline.
Comment: In summary, the available evidence is currently insufficient to determine the role of this variant in disease. Therefore, it has been classified as a Variant of Uncertain Significance. Advanced modeling of protein sequence and biophysical properties (such as structural, functional, and spatial information, amino acid conservation, physicochemical variation, residue mobility, and thermodynamic stability) performed at Invitae indicates that this missense variant is not expected to disrupt GATA2 protein function. This variant has not been reported in the literature in individuals affected with GATA2-related conditions. This variant is not present in population databases (gnomAD no frequency). This sequence change replaces proline, which is neutral and non-polar, with alanine, which is neutral and non-polar, at codon 193 of the GATA2 protein (p.Pro193Ala).

NM_032638.5(GATA2):c.577C>G (p.Pro193Ala)

Gene: GATA2 (GATA binding protein 2; minus strand). Cytogenetic location: 3q21.3.
Variant type: single nucleotide variant.
Coding change: c.577C>G on transcript NM_032638.5 (MANE Select); coding-DNA position 577, C replaced by G.
Protein change: p.Pro193Ala; replaces proline 193 with alanine.
Molecular consequence: missense variant.
Genome position (GRCh38, 1-based): chr3:128,486,021, G>C on the plus strand (C>G on the coding strand, the complement: GATA2 is on the minus strand). VCF-style: chr3-128486021-G-C. GRCh37 (hg19) VCF-style: chr3-128204864-G-C.
Other names: c.577C>G, p.Pro193Ala (NM_001145661.2, NM_001145662.1); short protein forms P193A.
Identifiers: ClinVar variation 2017009 (VCV002017009.5), dbSNP rs2472930836, ClinGen allele CA354406484.